The following is an entry in ClinVar:

ClinVar aggregate classification (germline): Uncertain significance (1 of 4 stars; one submission).

Conditions:
POLD1-related polyposis and colorectal cancer syndrome (CRCS10). Also called: Colorectal cancer 10; COLORECTAL CANCER, SUSCEPTIBILITY TO, ON CHROMOSOME 19q; Colorectal cancer, susceptibility to, 10. Identifiers: Orphanet 220460, MedGen C2675481, MONDO:0012953, OMIM 612591.

gnomAD v4.1: 1 of 1,607,672 alleles (0.000062%); highest among the groups gnomAD compares: Non-Finnish European, 0.000085%; no homozygotes.

Submission:

Labcorp Genetics (formerly Invitae), Labcorp
Classification: Uncertain significance for POLD1-related polyposis and colorectal cancer syndrome. Last evaluated: 2025-11-22. Review status: criteria provided, single submitter. Criteria: Invitae Variant Classification Sherloc (09022015). Collection method: clinical testing. Allele origin: germline.
Comment: This sequence change replaces tyrosine, which is neutral and polar, with serine, which is neutral and polar, at codon 104 of the POLD1 protein (p.Tyr104Ser). This variant is not present in population databases (gnomAD no frequency). This variant has not been reported in the literature in individuals affected with POLD1-related conditions. ClinVar contains an entry for this variant (Variation ID: 572430). Invitae Evidence Modeling of protein sequence and biophysical properties (such as structural, functional, and spatial information, amino acid conservation, physicochemical variation, residue mobility, and thermodynamic stability) indicates that this missense variant is not expected to disrupt POLD1 protein function with a negative predictive value of 80%. In summary, the available evidence is currently insufficient to determine the role of this variant in disease. Therefore, it has been classified as a Variant of Uncertain Significance.

NM_002691.4(POLD1):c.311A>C (p.Tyr104Ser)

Gene: POLD1 (DNA polymerase delta 1, catalytic subunit; plus strand). Cytogenetic location: 19q13.33.
Variant type: single nucleotide variant.
Coding change: c.311A>C on transcript NM_002691.4 (MANE Select); coding-DNA position 311, A replaced by C.
Protein change: p.Tyr104Ser; replaces tyrosine 104 with serine.
Molecular consequence: missense variant. On other transcripts: non-coding transcript variant (1).
Genome position (GRCh38, 1-based): chr19:50,399,479, A>C. VCF-style: chr19-50399479-A-C. GRCh37 (hg19) VCF-style: chr19-50902736-A-C.
Other names: c.311A>C, p.Tyr104Ser (NM_001256849.1, NM_001308632.1); short protein forms Y104S.
Identifiers: ClinVar variation 572430 (VCV000572430.11), dbSNP rs968051129, ClinGen allele CA406970685.